The following is an entry in ClinVar:

NM_001715.3(BLK):c.690C>T (p.Ala230=)

Genes: BLK (BLK proto-oncogene, Src family tyrosine kinase), BLK-AS1 (BLK antisense RNA 1). Cytogenetic location: 8p23.1.
Variant type: single nucleotide variant.
Coding change: c.690C>T on transcript NM_001715.3 (MANE Select); coding-DNA position 690, C replaced by T.
Protein change: p.Ala230=; no amino-acid change (alanine 230 retained).
Molecular consequence: synonymous variant.
Genome position (GRCh38, 1-based): chr8:11,555,402, C>T. VCF-style: chr8-11555402-C-T. GRCh37 (hg19) VCF-style: chr8-11412911-C-T.
Other names: c.690C>T (NM_001715.2); c.477C>T, p.Ala159= (NM_001330465.2).
Identifiers: ClinVar variation 2716776 (VCV002716776.4), dbSNP rs535184490, ClinGen allele CA4630042.
Genomic context (GRCh38, chr8:11,555,402, plus strand): 5'-TGGTCTATGCCAGAGGCTGACCCTGCCCTGTGTGCGCCCGGCCCCGCAGAATCCCTGGGC[C>T]CAGGATGAATGGGAGATCCCCCGGCAGTCTCTCAGGCTGGTCAGGAAACTCGGGTCTGGA-3'
Protein context (NP_001706.2, residues 220-240): CVRPAPQNPW[Ala230=]QDEWEIPRQS

ClinVar aggregate classification (germline): Likely benign. Review status: criteria provided, multiple submitters, no conflicts (2 of 4 stars). 2 submissions from 2 submitters: Likely benign (2). Last evaluated 2025-02-06.

Conditions:
BLK-related disorder. Also called: BLK-related condition.

Allele frequency attached by ClinVar (database versions not stated): TOPMed 0.00001; gnomAD 0.00013; ExAC 0.00054; 1000 Genomes Project 30x 0.00062; 1000 Genomes Project 0.00080.
gnomAD v4.1: 311 of 1,614,134 alleles (0.019%); highest among the groups gnomAD compares: South Asian, 0.32%; 4 homozygotes.

Submissions (2):

Labcorp Genetics (formerly Invitae), Labcorp
Classification: Likely benign. Last evaluated: 2025-02-06. Review status: criteria provided, single submitter. Criteria: Invitae Variant Classification Sherloc (09022015). Collection method: clinical testing. Allele origin: germline.

PreventionGenetics, part of Exact Sciences
Classification: Likely benign for BLK-related condition. Last evaluated: 2025-01-22. Review status: criteria provided, single submitter. Criteria: ACMG Guidelines, 2015. Collection method: clinical testing. Allele origin: germline.
Comment: This variant is classified as likely benign based on ACMG/AMP sequence variant interpretation guidelines (Richards et al. 2015 PMID: 25741868, with internal and published modifications).